The following is an entry in ClinVar:

ClinVar aggregate classification (germline): Uncertain significance (1 of 4 stars; one submission).

Conditions:
Hereditary cancer-predisposing syndrome. Also called: Neoplastic Syndromes, Hereditary; Tumor predisposition; Hereditary Cancer Syndrome; Hereditary neoplastic syndrome. Identifiers: Orphanet 140162, MedGen C0027672, MeSH D009386, MONDO:0015356.

Submission:

Ambry Genetics
Classification: Uncertain significance for Hereditary cancer-predisposing syndrome. Last evaluated: 2026-05-21. Review status: criteria provided, single submitter. Criteria: Ambry Variant Classification Scheme 2023. Collection method: clinical testing. Allele origin: germline.
Comment: The p.Q310L variant (also known as c.929A>T), located in coding exon 9 of the SMARCE1 gene, results from an A to T substitution at nucleotide position 929. The glutamine at codon 310 is replaced by leucine, an amino acid with dissimilar properties. This amino acid position is conserved. In addition, this alteration is predicted to be tolerated by in silico analysis. Based on the available evidence, the clinical significance of this variant remains unclear.

NM_003079.5(SMARCE1):c.929A>T (p.Gln310Leu)

Gene: SMARCE1 (SWI/SNF related BAF chromatin remodeling complex subunit E1; minus strand). Cytogenetic location: 17q21.2.
Variant type: single nucleotide variant.
Coding change: c.929A>T on transcript NM_003079.5 (MANE Select); coding-DNA position 929, A replaced by T.
Protein change: p.Gln310Leu; replaces glutamine 310 with leucine.
Molecular consequence: missense variant.
Genome position (GRCh38, 1-based): chr17:40,630,812, T>A on the plus strand (A>T on the coding strand, the complement: SMARCE1 is on the minus strand). VCF-style: chr17-40630812-T-A. GRCh37 (hg19) VCF-style: chr17-38787064-T-A.
Other names: short protein forms Q310L.
Identifiers: ClinVar variation 4864875 (VCV004864875.1).